The following is an entry in ClinVar:

NM_000552.5(VWF):c.7039A>C (p.Thr2347Pro)

Gene: VWF (von Willebrand factor; minus strand). Cytogenetic location: 12p13.31.
Variant type: single nucleotide variant.
Coding change: c.7039A>C on transcript NM_000552.5 (MANE Select); coding-DNA position 7039, A replaced by C.
Protein change: p.Thr2347Pro; replaces threonine 2347 with proline.
Molecular consequence: missense variant.
Genome position (GRCh38, 1-based): chr12:5,983,192, T>G on the plus strand (A>C on the coding strand, the complement: VWF is on the minus strand). VCF-style: chr12-5983192-T-G. GRCh37 (hg19) VCF-style: chr12-6092358-T-G.
Other names: p.Thr2347Pro; short protein forms T2347P.
Identifiers: ClinVar variation 4541678 (VCV004541678.1).
Genomic context (GRCh38, chr12:5,983,192, plus strand): 5'-CATCCACAGAGGCCTTACCGCAGGTGAAGTTGGGTCTGCACTCGCCAGGGTTGGTCAGTG[T>G]GGGCTGGAGGCCACGTTCACAGTGAGGCACTGGGGGCAGGTCACAGCTCACTGGGTCACA-3'
Protein context (NP_000543.3, residues 2337-2357): VPHCERGLQP[Thr2347Pro]LTNPGECRPN

ClinVar aggregate classification (germline): Uncertain significance (1 of 4 stars; one submission).

Submission:

Mayo Clinic Laboratories, Mayo Clinic
Classification: Uncertain significance. Last evaluated: 2025-12-06. Review status: criteria provided, single submitter. Criteria: ACMG Guidelines, 2015. Collection method: clinical testing. Allele origin: germline. Observed: 1 variant allele.
Comment: BP4_moderate, PP4_strong, PM2_supporting